The following is an entry in ClinVar:

NM_000969.5(RPL5):c.187C>T (p.Gln63Ter)

Genes: DIPK1A (divergent protein kinase domain 1A; minus strand), RPL5 (ribosomal protein L5; plus strand). Cytogenetic location: 1p22.1.
Variant type: single nucleotide variant.
Coding change: c.187C>T on transcript NM_000969.5 (MANE Select); coding-DNA position 187, C replaced by T.
Protein change: p.Gln63Ter; replaces glutamine 63 with a stop codon.
Molecular consequence: nonsense. On other transcripts: non-coding transcript variant (1), intron variant (1).
Genome position (GRCh38, 1-based): chr1:92,833,658, C>T. VCF-style: chr1-92833658-C-T. GRCh37 (hg19) VCF-style: chr1-93299215-C-T.
Other names: c.475-624G>A (NM_001252273.2); short protein forms Q63*.
Identifiers: ClinVar variation 570764 (VCV000570764.9), dbSNP rs1558284062, ClinGen allele CA341241101.

ClinVar aggregate classification (germline): Pathogenic (1 of 4 stars; one submission).

Conditions:
Diamond-Blackfan anemia. Also called: Blackfan Diamond syndrome; Aregenerative anemia chronic congenital; Red cell aplasia, pure hereditary; Congenital hypoplastic anemia; Aase syndrome. Identifiers: Orphanet 124, MedGen C1260899, MeSH D029503, MONDO:0015253, HP:0004810.

Submission:

Labcorp Genetics (formerly Invitae), Labcorp
Classification: Pathogenic for Diamond-Blackfan anemia. Last evaluated: 2018-04-09. Review status: criteria provided, single submitter. Criteria: Invitae Variant Classification Sherloc (09022015). Collection method: clinical testing. Allele origin: germline.
Comment: This sequence change creates a premature translational stop signal (p.Gln63*) in the RPL5 gene. It is expected to result in an absent or disrupted protein product. This variant is not present in population databases (ExAC no frequency). This variant has been reported to be de novo in an individual affected with Diamond-Blackfan anemia (PMID: 25946618). Loss-of-function variants in RPL5 are known to be pathogenic (PMID: 19061985, 19773262). For these reasons, this variant has been classified as Pathogenic.

Literature cited by the submitters: PubMed 25946618; PubMed 19061985; PubMed 19773262.